The following is an entry in ClinVar:

NM_002017.5(FLI1):c.969_973del (p.Arg324fs)

Gene: FLI1 (Fli-1 proto-oncogene, ETS transcription factor; plus strand). Cytogenetic location: 11q24.3.
Variant type: Deletion.
Coding change: c.969_973del on transcript NM_002017.5 (MANE Select); coding-DNA positions 969 to 973, 5 bases deleted (GCGGA; older notation c.969_973delGCGGA).
Protein change: p.Arg324fs; shifts the reading frame from arginine 324.
Molecular consequence: frameshift variant.
Genome position (GRCh38, 1-based): chr11:128,810,598-128,810,602, GCGGA deleted; deleting any 5 consecutive bases within chr11:128,810,596-128,810,602 gives the same sequence; the c. name uses the placement nearest the transcript's 3' end. VCF-style (leftmost placement, unchanged base first): chr11-128810595-CGAGCG-C. GRCh37 (hg19) VCF-style: chr11-128680490-CGAGCG-C.
Other names: p.Arg324Lysfs*19; c.870_874del, p.Arg291fs (NM_001167681.3, NM_001440369.1, NM_001440370.1 and 1 more transcripts); c.771_775del, p.Arg258fs (NM_001271010.2); c.390_394del, p.Arg131fs (NM_001271012.2); c.843_847del, p.Arg282fs (NM_001440372.1); short protein forms R282fs, R324fs, R131fs, R258fs, R291fs.
Identifiers: ClinVar variation 4541672 (VCV004541672.1).

ClinVar aggregate classification (germline): Likely pathogenic (1 of 4 stars; one submission).

Submission:

Mayo Clinic Laboratories, Mayo Clinic
Classification: Likely pathogenic. Last evaluated: 2025-10-01. Review status: criteria provided, single submitter. Criteria: ACMG Guidelines, 2015. Collection method: clinical testing. Allele origin: germline. Observed: 2 variant alleles.
Comment: PP4_moderate, PM2_supporting, PVS1_strong

Literature cited by the submitters: PubMed 24100448.